The following is an entry in ClinVar:

NM_001083962.2(TCF4):c.347C>T (p.Ser116Leu)

Gene: TCF4 (transcription factor 4; minus strand). Cytogenetic location: 18q21.2.
Variant type: single nucleotide variant.
Coding change: c.347C>T on transcript NM_001083962.2 (MANE Select); coding-DNA position 347, C replaced by T.
Protein change: p.Ser116Leu; replaces serine 116 with leucine.
Molecular consequence: missense variant. On other transcripts: 5 prime UTR variant (3).
Genome position (GRCh38, 1-based): chr18:55,403,476, G>A on the plus strand (C>T on the coding strand, the complement: TCF4 is on the minus strand). VCF-style: chr18-55403476-G-A. GRCh37 (hg19) VCF-style: chr18-53070707-G-A.
Other names: c.221C>T, p.Ser74Leu (NM_001243231.2, NM_001348211.2); c.137C>T, p.Ser46Leu (NM_001243232.1, NM_001306208.1); c.-44C>T (NM_001243233.2, NM_001348213.2); c.275C>T, p.Ser92Leu (NM_001306207.1, NM_001348217.1, NM_001369575.1 and 15 more transcripts); c.347C>T, p.Ser116Leu (NM_001330604.3, NM_001369574.1, NM_001243228.2 and 8 more transcripts); c.-41C>T (NM_001348212.2); c.653C>T, p.Ser218Leu (NM_001243226.3); c.341C>T, p.Ser114Leu (NM_001243230.2); short protein forms S114L, S46L, S92L, S74L, S116L, S218L.
Identifiers: ClinVar variation 2833268 (VCV002833268.3), dbSNP rs1239308094, ClinGen allele CA402702844.
Genomic context (GRCh38, chr18:55,403,476, plus strand): 5'-ATCCTCTCAACCCTTCCGCAACAGAGATTCTCACTTACCTGGTGGCAACCCTGTAAGTTT[G>A]ATTCTCTCCCATAAGATGAGTATGAGCCCCTTTCTGTTTTACCTGCCAAGAGAAACGACA-3'
Protein context (NP_001077431.1, residues 106-126): RGSYSSYGRE[Ser116Leu]NLQGCHQQSL

ClinVar aggregate classification (germline): Uncertain significance (1 of 4 stars; one submission).

Conditions:
Pitt-Hopkins syndrome (PTHS). Also called: ENCEPHALOPATHY, SEVERE EPILEPTIC, WITH AUTONOMIC DYSFUNCTION; MENTAL RETARDATION, SYNDROMAL, WITH INTERMITTENT HYPERVENTILATION. Identifiers: Orphanet 2896, MedGen C1970431, MONDO:0012589, OMIM 610954.

Allele frequency attached by ClinVar (database versions not stated): gnomAD exomes below 0.00001; TOPMed 0.00001; gnomAD 0.00002.
gnomAD v4.1: 4 of 1,613,670 alleles (0.00025%); highest among the groups gnomAD compares: African/African-American, 0.004%; no homozygotes.

Submission:

Labcorp Genetics (formerly Invitae), Labcorp
Classification: Uncertain significance for Pitt-Hopkins syndrome. Last evaluated: 2023-01-31. Review status: criteria provided, single submitter. Criteria: Invitae Variant Classification Sherloc (09022015). Collection method: clinical testing. Allele origin: germline.
Comment: In summary, the available evidence is currently insufficient to determine the role of this variant in disease. Therefore, it has been classified as a Variant of Uncertain Significance. Advanced modeling of protein sequence and biophysical properties (such as structural, functional, and spatial information, amino acid conservation, physicochemical variation, residue mobility, and thermodynamic stability) performed at Invitae indicates that this missense variant is not expected to disrupt TCF4 protein function. This variant has not been reported in the literature in individuals affected with TCF4-related conditions. This variant is present in population databases (no rsID available, gnomAD 0.01%). This sequence change replaces serine, which is neutral and polar, with leucine, which is neutral and non-polar, at codon 116 of the TCF4 protein (p.Ser116Leu).